The following is an entry in ClinVar:

ClinVar aggregate classification (germline): Pathogenic. Review status: criteria provided, multiple submitters, no conflicts (2 of 4 stars). 3 submissions from 3 submitters: Pathogenic (3). Last evaluated 2026-01-13.

Conditions:
Type 2 diabetes mellitus. Also called: Type II diabetes mellitus. Identifiers: MedGen C0011860, MeSH D003924, MONDO:0005148, OMIM 125853, HP:0005978.
Hyperinsulinemic hypoglycemia, familial, 1 (HHF1). Also called: HYPERINSULINISM, FAMILIAL, WITH PANCREATIC NESIDIOBLASTOSIS; HYPOGLYCEMIA, HYPERINSULINEMIC, OF INFANCY; NESIDIOBLASTOSIS OF PANCREAS; Persistent hyperinsulinemic hypoglycemia of infancy; Persistent Hyperinsulinemia Hypoglycemia of Infancy. Identifiers: Orphanet 276575, Orphanet 276598, MedGen C2931832, MONDO:0009734, OMIM 256450.

Submissions (3):

Myriad Genetics, Inc.
Classification: Pathogenic for Hyperinsulinemic hypoglycemia, familial, 1. Last evaluated: 2026-01-13. Review status: criteria provided, single submitter. Criteria: Myriad Autosomal Dominant, Autosomal Recessive and X-Linked Classification Criteria (2023). Collection method: clinical testing. Allele origin: unknown.
Comment: NM_000352.3(ABCC8):c.2064G>A(W688*) is expected to be pathogenic in the context of familial hyperinsulinism, ABCC8-related. This variant is predicted to lead to an abnormal or absent protein product due to the creation of a premature termination codon in ABCC8, a gene where loss-of-function variants are known to be pathogenic. Please note: this variant was assessed in the context of healthy population screening.

Baylor Genetics
Classification: Pathogenic for Type 2 diabetes mellitus. Last evaluated: 2024-03-06. Review status: criteria provided, single submitter. Criteria: ACMG Guidelines, 2015. Collection method: clinical testing. Allele origin: unknown.

Labcorp Genetics (formerly Invitae), Labcorp
Classification: Pathogenic. Last evaluated: 2023-10-30. Review status: criteria provided, single submitter. Criteria: Invitae Variant Classification Sherloc (09022015). Collection method: clinical testing. Allele origin: germline.
Comment: This sequence change creates a premature translational stop signal (p.Trp688*) in the ABCC8 gene. It is expected to result in an absent or disrupted protein product. Loss-of-function variants in ABCC8 are known to be pathogenic (PMID: 20685672, 23345197). This variant is not present in population databases (gnomAD no frequency). This premature translational stop signal has been observed in individual(s) with congenital hyperinsulinism (PMID: 20685672). Algorithms developed to predict the effect of sequence changes on RNA splicing suggest that this variant may disrupt the consensus splice site. For these reasons, this variant has been classified as Pathogenic.

Literature cited by the submitters: PubMed 20685672 (cited by Labcorp Genetics (formerly Invitae), Labcorp); PubMed 23345197 (cited by Labcorp Genetics (formerly Invitae), Labcorp).

NM_000352.6(ABCC8):c.2064G>A (p.Trp688Ter)

Gene: ABCC8 (ATP binding cassette subfamily C member 8; minus strand). Cytogenetic location: 11p15.1.
Variant type: single nucleotide variant.
Coding change: c.2064G>A on transcript NM_000352.6 (MANE Select); coding-DNA position 2064, G replaced by A.
Protein change: p.Trp688Ter; replaces tryptophan 688 with a stop codon.
Molecular consequence: nonsense. On other transcripts: non-coding transcript variant (1).
Genome position (GRCh38, 1-based): chr11:17,427,919, C>T on the plus strand (G>A on the coding strand, the complement: ABCC8 is on the minus strand). VCF-style: chr11-17427919-C-T. GRCh37 (hg19) VCF-style: chr11-17449466-C-T.
Other names: c.2064G>A, p.Trp688Ter (NM_001287174.3); c.2130G>A, p.Trp710Ter (NM_001351295.2); c.2061G>A, p.Trp687Ter (NM_001351296.2, NM_001351297.2); short protein forms W687*, W688*, W710*.
Identifiers: ClinVar variation 2735549 (VCV002735549.5), dbSNP rs1955658464, ClinGen allele CA379814887.